The following is an entry in ClinVar:

ClinVar aggregate classification (germline): Uncertain significance (1 of 4 stars; one submission).

Allele frequency attached by ClinVar (database versions not stated): gnomAD exomes below 0.00001; TOPMed below 0.00001.
gnomAD v4.1: 2 of 1,614,212 alleles (0.00012%); highest among the groups gnomAD compares: African/African-American, 0.0013%; no homozygotes.

Submission:

Labcorp Genetics (formerly Invitae), Labcorp
Classification: Uncertain significance. Last evaluated: 2022-10-05. Review status: criteria provided, single submitter. Criteria: Invitae Variant Classification Sherloc (09022015). Collection method: clinical testing. Allele origin: germline.
Comment: In summary, the available evidence is currently insufficient to determine the role of this variant in disease. Therefore, it has been classified as a Variant of Uncertain Significance. Algorithms developed to predict the effect of sequence changes on RNA splicing suggest that this variant may create or strengthen a splice site. This variant has not been reported in the literature in individuals affected with CNNM4-related conditions. This variant is present in population databases (no rsID available, gnomAD 0.007%). This sequence change affects codon 544 of the CNNM4 mRNA. It is a 'silent' change, meaning that it does not change the encoded amino acid sequence of the CNNM4 protein.

NM_020184.4(CNNM4):c.1632G>A (p.Val544=)

Gene: CNNM4 (cyclin and CBS domain divalent metal cation transport mediator 4; plus strand). Cytogenetic location: 2q11.2.
Variant type: single nucleotide variant.
Coding change: c.1632G>A on transcript NM_020184.4 (MANE Select); coding-DNA position 1632, G replaced by A.
Protein change: p.Val544=; no amino-acid change (valine 544 retained).
Molecular consequence: synonymous variant.
Genome position (GRCh38, 1-based): chr2:96,797,598, G>A. VCF-style: chr2-96797598-G-A. GRCh37 (hg19) VCF-style: chr2-97463335-G-A.
Identifiers: ClinVar variation 2007450 (VCV002007450.4), dbSNP rs1002208092, ClinGen allele CA52451365.